The following is an entry in ClinVar:

ClinVar aggregate classification (germline): Conflicting classifications of pathogenicity. Review status: criteria provided, conflicting classifications (1 of 4 stars). 3 submissions from 3 submitters: Uncertain significance (1); Likely benign (2). Last evaluated 2025-09-16.

Conditions:
Dystonia 12 (DYT12). Also called: DYT-ATP1A3; Rapid-Onset Dystonia-Parkinsonism (RDP). Identifiers: Orphanet 71517, MedGen C1868681, MONDO:0007496, OMIM 128235.

Allele frequency attached by ClinVar (database versions not stated): gnomAD 0.00001; gnomAD exomes 0.00001 and 0.00006; TOPMed 0.00002.
gnomAD v4.1: 91 of 1,610,532 alleles (0.0057%); highest among the groups gnomAD compares: Non-Finnish European, 0.0075%; no homozygotes.

Submissions (3):

Labcorp Genetics (formerly Invitae), Labcorp
Classification: Likely benign for Dystonia 12. Last evaluated: 2025-09-16. Review status: criteria provided, single submitter. Criteria: Invitae Variant Classification Sherloc (09022015). Collection method: clinical testing. Allele origin: germline.

GeneDx
Classification: Uncertain significance. Last evaluated: 2024-11-03. Review status: criteria provided, single submitter. Criteria: GeneDx Variant Classification Process June 2021. Collection method: clinical testing. Allele origin: germline. Affected: yes.
Comment: Not observed at significant frequency in large population cohorts (gnomAD); Has not been previously published as pathogenic or benign to our knowledge; In silico analysis suggests this variant may impact gene splicing. In the absence of RNA/functional studies, the actual effect of this sequence change is unknown.

Blueprint Genetics
Classification: Likely benign. Last evaluated: 2022-08-04. Review status: criteria provided, single submitter. Criteria: ACMG Guidelines, 2015. Collection method: clinical testing. Allele origin: germline.

NM_152296.5(ATP1A3):c.2943C>T (p.Ala981=)

Gene: ATP1A3 (ATPase Na+/K+ transporting subunit alpha 3; minus strand). Cytogenetic location: 19q13.2.
Variant type: single nucleotide variant.
Coding change: c.2943C>T on transcript NM_152296.5 (MANE Select); coding-DNA position 2943, C replaced by T.
Protein change: p.Ala981=; no amino-acid change (alanine 981 retained).
Molecular consequence: synonymous variant.
Genome position (GRCh38, 1-based): chr19:41,967,319, G>A on the plus strand (C>T on the coding strand, the complement: ATP1A3 is on the minus strand). VCF-style: chr19-41967319-G-A. GRCh37 (hg19) VCF-style: chr19-42471471-G-A.
Other names: c.2976C>T, p.Ala992= (NM_001256213.2); c.2982C>T, p.Ala994= (NM_001256214.2); c.2943C>T (NM_152296.4).
Identifiers: ClinVar variation 1094332 (VCV001094332.11), dbSNP rs1439299124, ClinGen allele CA507580019.